The following is an entry in ClinVar:

ClinVar aggregate classification (germline): Conflicting classifications of pathogenicity. Review status: criteria provided, conflicting classifications (1 of 4 stars). 2 submissions from 2 submitters: Uncertain significance (1); Likely benign (1). Last evaluated 2024-12-09.

Conditions:
Hereditary cancer-predisposing syndrome. Also called: Neoplastic Syndromes, Hereditary; Tumor predisposition; Hereditary neoplastic syndrome; Hereditary Cancer Syndrome. Identifiers: Orphanet 140162, MedGen C0027672, MeSH D009386, MONDO:0015356.
Oligodontia-cancer predisposition syndrome. Also called: TOOTH AGENESIS-COLORECTAL CANCER SYNDROME. Identifiers: Orphanet 300576, MedGen C1837750, MONDO:0012075, OMIM 608615. Disease mechanism: loss of function.

Allele frequency attached by ClinVar (database versions not stated): TOPMed below 0.00001; gnomAD exomes 0.00001; ExAC 0.00003.
gnomAD v4.1: 4 of 1,605,334 alleles (0.00025%); highest among the groups gnomAD compares: East Asian, 0.0045%; no homozygotes.

Submissions (2):

Labcorp Genetics (formerly Invitae), Labcorp
Classification: Uncertain significance for Oligodontia-cancer predisposition syndrome. Last evaluated: 2024-12-09. Review status: criteria provided, single submitter. Criteria: Invitae Variant Classification Sherloc (09022015). Collection method: clinical testing. Allele origin: germline.
Comment: This sequence change replaces isoleucine, which is neutral and non-polar, with valine, which is neutral and non-polar, at codon 285 of the AXIN2 protein (p.Ile285Val). This variant is present in population databases (rs746239590, gnomAD 0.02%). This variant has not been reported in the literature in individuals affected with AXIN2-related conditions. ClinVar contains an entry for this variant (Variation ID: 662354). Invitae Evidence Modeling of protein sequence and biophysical properties (such as structural, functional, and spatial information, amino acid conservation, physicochemical variation, residue mobility, and thermodynamic stability) indicates that this missense variant is not expected to disrupt AXIN2 protein function with a negative predictive value of 80%. In summary, the available evidence is currently insufficient to determine the role of this variant in disease. Therefore, it has been classified as a Variant of Uncertain Significance.

Ambry Genetics
Classification: Likely benign for Hereditary cancer-predisposing syndrome. Last evaluated: 2020-11-21. Review status: criteria provided, single submitter. Criteria: Ambry Variant Classification Scheme 2023. Collection method: clinical testing. Allele origin: germline.

NM_004655.4(AXIN2):c.853A>G (p.Ile285Val)

Gene: AXIN2 (axin 2; minus strand). Cytogenetic location: 17q24.1.
Variant type: single nucleotide variant.
Coding change: c.853A>G on transcript NM_004655.4 (MANE Select); coding-DNA position 853, A replaced by G.
Protein change: p.Ile285Val; replaces isoleucine 285 with valine.
Molecular consequence: missense variant.
Genome position (GRCh38, 1-based): chr17:65,549,623, T>C on the plus strand (A>G on the coding strand, the complement: AXIN2 is on the minus strand). VCF-style: chr17-65549623-T-C. GRCh37 (hg19) VCF-style: chr17-63545741-T-C.
Other names: c.853A>G (LRG_296t1); c.853A>G, p.Ile285Val (NM_001363813.1); short protein forms I285V.
Identifiers: ClinVar variation 662354 (VCV000662354.13), dbSNP rs746239590, ClinGen allele CA8718960.